The following is an entry in ClinVar:

ClinVar aggregate classification (germline): Uncertain significance. Review status: criteria provided, multiple submitters, no conflicts (2 of 4 stars). 2 submissions from 2 submitters: Uncertain significance (2). Last evaluated 2026-10-01.

Conditions:
GNAS-related disorder. Identifiers: MedGen CN380105.
Predisposition to medulloblastoma.

Submissions (2):

St. Jude Molecular Pathology, St. Jude Children's Research Hospital
Classification: Uncertain significance for Predisposition to medulloblastoma. Last evaluated: 2026-10-01. Review status: criteria provided, single submitter. Criteria: St. Jude Assertion Criteria 2020. Collection method: clinical testing. Allele origin: germline.
Comment: The GNAS c.486G>C p.(Met162Ile) missense change is absent in gnomAD v2.1.1. The in silico tool REVEL is inconclusive about a pathogenic or benign effect of this variant on protein function, and to our knowledge functional studies have not been performed. To our knowledge, this variant has not been reported in the literature in individuals with GNAS-associated conditions. In summary, the evidence currently available is insufficient to determine the clinical significance of this variant. It has therefore been classified as of uncertain significance (VUS-Low).

PreventionGenetics, part of Exact Sciences
Classification: Uncertain significance for GNAS-related condition. Last evaluated: 2026-01-21. Review status: criteria provided, single submitter. Criteria: ACMG Guidelines, 2015. Collection method: clinical testing. Allele origin: germline.
Comment: The GNAS c.486G>C variant is predicted to result in the amino acid substitution p.Met162Ile. To our knowledge, this variant has not been reported in the literature or in a large population database (gnomAD), indicating this variant is rare. This variant is also known as a pre-coding variant c.-37976G>C on the MANE transcript NM_000516. At this time, the clinical significance of this variant is uncertain due to the absence of conclusive functional and genetic evidence.

NM_080425.4(GNAS):c.486G>C (p.Met162Ile)

Gene: GNAS (GNAS complex locus; plus strand). Cytogenetic location: 20q13.32.
Variant type: single nucleotide variant.
Coding change: c.486G>C on transcript NM_080425.4 (MANE Plus Clinical); coding-DNA position 486, G replaced by C.
Protein change: p.Met162Ile; replaces methionine 162 with isoleucine.
Molecular consequence: missense variant. On other transcripts: intron variant (3).
Genome position (GRCh38, 1-based): chr20:58,853,751, G>C. VCF-style: chr20-58853751-G-C. GRCh37 (hg19) VCF-style: chr20-57428806-G-C.
Other names: c.299G>C, p.Cys100Ser (NM_001077490.3, NM_001309883.1); c.486G>C, p.Met162Ile (NM_001410913.1); c.*42+12865G>C (NM_016592.5); c.43+12865G>C (NM_001410912.1); c.-39+11876G>C (NM_001309861.2); short protein forms M162I, C100S.
Identifiers: ClinVar variation 4984518 (VCV004984518.2).